The following is an entry in ClinVar:

ClinVar aggregate classification (germline): Likely benign. Review status: criteria provided, multiple submitters, no conflicts (2 of 4 stars). 4 submissions from 4 submitters: Likely benign (4). Last evaluated 2026-07-01.

Conditions:
RAI1-related disorder. Also called: RAI1-related condition.
Intellectual disability. Also called: Intellectual developmental disorder; Intellectual functioning disability; intellectual disabilities. Identifiers: MedGen C3714756, MeSH D008607, MONDO:0001071, HP:0001249.

Submissions (4):

CeGaT Center for Human Genetics Tuebingen
Classification: Likely benign. Last evaluated: 2026-07-01. Review status: criteria provided, single submitter. Criteria: CeGaT Center For Human Genetics Tuebingen Variant Classification Criteria Version 2. Collection method: clinical testing. Allele origin: germline. Affected: yes. Observed: 3 variant alleles.
Comment: RAI1: BP3

Labcorp Genetics (formerly Invitae), Labcorp
Classification: Likely benign. Last evaluated: 2026-01-28. Review status: criteria provided, single submitter. Criteria: Invitae Variant Classification Sherloc (09022015). Collection method: clinical testing. Allele origin: germline.

PreventionGenetics, part of Exact Sciences
Classification: Likely benign for RAI1-related condition. Last evaluated: 2024-10-14. Review status: criteria provided, single submitter. Criteria: ACMG Guidelines, 2015. Collection method: clinical testing. Allele origin: germline.
Comment: This variant is classified as likely benign based on ACMG/AMP sequence variant interpretation guidelines (Richards et al. 2015 PMID: 25741868, with internal and published modifications).

Cambridge Genomics Laboratory, East Genomic Laboratory Hub, NHS Genomic Medicine Service
Classification: Likely benign for Intellectual disability. Last evaluated: 2019-04-17. Review status: criteria provided, single submitter. Criteria: ACGS Best Practice Guidelines for Variant Classification in Rare Disease 2020. Collection method: clinical testing. Allele origin: germline. Affected: yes. Observed: 1 variant allele.

NM_030665.4(RAI1):c.834GCA[5] (p.Gln284_Gln291del)

Gene: RAI1 (retinoic acid induced 1; plus strand). Cytogenetic location: 17p11.2.
Variant type: Microsatellite.
Coding change: c.834GCA[5] on transcript NM_030665.4 (MANE Select); five copies in a row of the 3-base unit GCA starting at c.834; the reference has 13 copies in a row; eight copies, 24 bases deleted.
Protein change: p.Gln284_Gln291del.
Molecular consequence: inframe deletion.
Genome position (GRCh38, 1-based): chr17:17,793,797-17,793,820, GCAGCAGCAGCAGCAGCAGCAGCA deleted; deleting any 24 consecutive bases within chr17:17,793,780-17,793,820 gives the same sequence; the position shown is the placement nearest the transcript's 3' end. VCF-style (leftmost placement, unchanged base first): chr17-17793779-CCAGCAGCAGCAGCAGCAGCAGCAG-C. GRCh37 (hg19) VCF-style: chr17-17697093-CCAGCAGCAGCAGCAGCAGCAGCAG-C.
Other names: c.849_872del24 (NM_030665.3).
Identifiers: ClinVar variation 1512341 (VCV001512341.22), dbSNP rs371983878, ClinGen allele CA726623085.